The following is an entry in ClinVar:

NM_001023570.4(IQCB1):c.975G>T (p.Gln325His)

Gene: IQCB1 (IQ motif containing B1; minus strand). Cytogenetic location: 3q13.33.
Variant type: single nucleotide variant.
Coding change: c.975G>T on transcript NM_001023570.4 (MANE Select); coding-DNA position 975, G replaced by T.
Protein change: p.Gln325His; replaces glutamine 325 with histidine.
Molecular consequence: missense variant. On other transcripts: intron variant (1).
Genome position (GRCh38, 1-based): chr3:121,795,468, C>A on the plus strand (G>T on the coding strand, the complement: IQCB1 is on the minus strand). VCF-style: chr3-121795468-C-A. GRCh37 (hg19) VCF-style: chr3-121514315-C-A.
Other names: c.975G>T, p.Gln325His (NM_001319107.2); c.588-5253G>T (NM_001023571.4); short protein forms Q325H.
Identifiers: ClinVar variation 2086857 (VCV002086857.4), dbSNP rs1949142322, ClinGen allele CA354119158.

ClinVar aggregate classification (germline): Uncertain significance (1 of 4 stars; one submission).

Conditions:
Nephronophthisis. Also called: Juvenile Nephronophthisis. Identifiers: Orphanet 655, MedGen C0687120, MONDO:0019005, HP:0000090.

Submission:

Labcorp Genetics (formerly Invitae), Labcorp
Classification: Uncertain significance for Nephronophthisis. Last evaluated: 2022-07-12. Review status: criteria provided, single submitter. Criteria: Invitae Variant Classification Sherloc (09022015). Collection method: clinical testing. Allele origin: germline.
Comment: In summary, the available evidence is currently insufficient to determine the role of this variant in disease. Therefore, it has been classified as a Variant of Uncertain Significance. Algorithms developed to predict the effect of missense changes on protein structure and function are either unavailable or do not agree on the potential impact of this missense change (SIFT: "Deleterious"; PolyPhen-2: "Probably Damaging"; Align-GVGD: "Class C0"). This variant has not been reported in the literature in individuals affected with IQCB1-related conditions. This variant is not present in population databases (gnomAD no frequency). This sequence change replaces glutamine, which is neutral and polar, with histidine, which is basic and polar, at codon 325 of the IQCB1 protein (p.Gln325His).